The following is an entry in ClinVar:

NM_024505.4(NOX5):c.1134C>A (p.Leu378=)

Genes: NOX5 (NADPH oxidase 5; plus strand), SPESP1-NOX5 (SPESP1-NOX5 readthrough; plus strand). Cytogenetic location: 15q23.
Variant type: single nucleotide variant.
Coding change: c.1134C>A on transcript NM_024505.4 (MANE Select); coding-DNA position 1134, C replaced by A.
Protein change: p.Leu378=; no amino-acid change (leucine 378 retained).
Molecular consequence: synonymous variant. On other transcripts: non-coding transcript variant (2).
Genome position (GRCh38, 1-based): chr15:69,035,882, C>A. VCF-style: chr15-69035882-C-A. GRCh37 (hg19) VCF-style: chr15-69328222-C-A.
Other names: c.1050C>A, p.Leu350= (NM_001184779.2); c.1029C>A, p.Leu343= (NM_001184780.2).
Identifiers: ClinVar variation 2645493 (VCV002645493.24), dbSNP rs1227813483, ClinGen allele CA490969266.
Genomic context (GRCh38, chr15:69,035,882, plus strand): 5'-TGGCATTGGCTGGGTACACGGTTCGGCCTCCCCGACAGGTGTCGCTCTGCTGCTGCTGCT[C>A]CTCCTCATGTTCATCTGCTCCAGTTCCTGCATCCGCAGGAGTGGCCACTTTGAGGTGCCC-3'
Protein context (NP_078781.3, residues 368-388): SPTGVALLLL[Leu378=]LLMFICSSSC

ClinVar aggregate classification (germline): Likely benign (1 of 4 stars; one submission).

Submission:

CeGaT Center for Human Genetics Tuebingen
Classification: Likely benign. Last evaluated: 2023-03-01. Review status: criteria provided, single submitter. Criteria: CeGaT Center For Human Genetics Tuebingen Variant Classification Criteria Version 2. Collection method: clinical testing. Allele origin: germline. Affected: yes. Observed: 1 variant allele.
Comment: NOX5: PM2:Supporting, BP4, BP7